The following is an entry in ClinVar:

NM_007194.4(CHEK2):c.908del (p.Glu302_Leu303insTer)

Gene: CHEK2 (checkpoint kinase 2; minus strand). Cytogenetic location: 22q12.1.
Variant type: Deletion.
Coding change: c.908del on transcript NM_007194.4 (MANE Select); coding-DNA position 908, one base deleted (T; older notation c.908delT).
Protein change: p.Glu302_Leu303insTer.
Molecular consequence: nonsense. On other transcripts: frameshift variant (4).
Genome position (GRCh38, 1-based): chr22:28,703,505, A deleted on the plus strand (T on the coding strand, the reverse complement: CHEK2 is on the minus strand); the first of 2 consecutive A bases (chr22:28,703,505-28,703,506); deleting either gives the same sequence. VCF-style (leftmost placement, unchanged base first): chr22-28703504-CA-C. GRCh37 (hg19) VCF-style: chr22-29099492-CA-C.
Other names: c.1036delT, p.Leu346Terfs (NM_001005735.3); c.244delT, p.Leu82Terfs (NM_001257387.3); c.706delT, p.Leu236Terfs (NM_001349956.3); c.907delT, p.Leu303Terfs (NM_145862.3).
Identifiers: ClinVar variation 3632378 (VCV003632378.2).

ClinVar aggregate classification (germline): Pathogenic (1 of 4 stars; one submission).

Conditions:
Familial cancer of breast. Also called: BREAST CANCER, FAMILIAL; hereditary breast carcinoma; Hereditary breast cancer. Identifiers: Orphanet 227535, MedGen C0346153, MONDO:0016419, OMIM 114480. Disease mechanism: loss of function.

Submission:

Labcorp Genetics (formerly Invitae), Labcorp
Classification: Pathogenic for Familial cancer of breast. Last evaluated: 2024-01-02. Review status: criteria provided, single submitter. Criteria: Invitae Variant Classification Sherloc (09022015). Collection method: clinical testing. Allele origin: germline.
Comment: This sequence change creates a premature translational stop signal (p.Leu303*) in the CHEK2 gene. It is expected to result in an absent or disrupted protein product. Loss-of-function variants in CHEK2 are known to be pathogenic (PMID: 21876083, 24713400). This variant is not present in population databases (gnomAD no frequency). This variant has not been reported in the literature in individuals affected with CHEK2-related conditions. Algorithms developed to predict the effect of sequence changes on RNA splicing suggest that this variant may disrupt the consensus splice site. For these reasons, this variant has been classified as Pathogenic.

Literature cited by the submitters: PubMed 21876083; PubMed 24713400.